The following is an entry in ClinVar:

ClinVar aggregate classification (germline): Conflicting classifications of pathogenicity. Review status: criteria provided, conflicting classifications (1 of 4 stars). 4 submissions from 4 submitters: Uncertain significance (1); Likely benign (2). 1 of the submissions does not count toward it. Last evaluated 2025-04-01.

Conditions:
Inborn genetic diseases. Identifiers: MedGen C0950123, MeSH D030342.
TNNT1-related disorder. Also called: TNNT1-related condition.
Nemaline myopathy 5 (NEM5A). Also called: NEMALINE MYOPATHY, AMISH TYPE; NEMALINE MYOPATHY 5A, AUTOSOMAL RECESSIVE, SEVERE INFANTILE; Nemaline myopathy 5, Amish type. Identifiers: Orphanet 98902, MedGen C1854380, MONDO:0011539, OMIM 605355.

Allele frequency attached by ClinVar (database versions not stated): TOPMed 0.00005; gnomAD exomes 0.00022 and 0.00066; gnomAD 0.00052; ExAC 0.00071; 1000 Genomes Project 30x 0.00109; 1000 Genomes Project 0.00120.

Submissions (4):

Labcorp Genetics (formerly Invitae), Labcorp
Classification: Likely benign for Nemaline myopathy 5. Last evaluated: 2025-04-01. Review status: criteria provided, single submitter. Criteria: Invitae Variant Classification Sherloc (09022015). Collection method: clinical testing. Allele origin: germline.

Athena Diagnostics
Classification: Likely benign. Last evaluated: 2025-01-13. Review status: criteria provided, single submitter. Criteria: Athena Diagnostics Criteria. Collection method: clinical testing. Allele origin: unknown.
Comment: The frequency of this variant in the general population is higher than would generally be expected for pathogenic variants in this gene. Computational tools predict this amino acid change may be benign.

Ambry Genetics
Classification: Uncertain significance for Inborn genetic diseases. Last evaluated: 2024-03-19. Review status: criteria provided, single submitter. Criteria: Ambry Variant Classification Scheme 2023. Collection method: clinical testing. Allele origin: germline.

PreventionGenetics, part of Exact Sciences
Classification: Likely benign for TNNT1-related condition. Last evaluated: 2020-02-25. Review status: no assertion criteria provided. Collection method: clinical testing. Allele origin: germline. Not counted in ClinVar's aggregate classification.
Comment: This variant is classified as likely benign based on ACMG/AMP sequence variant interpretation guidelines (Richards et al. 2015 PMID: 25741868, with internal and published modifications).

NM_003283.6(TNNT1):c.617G>A (p.Arg206Gln)

Gene: TNNT1 (troponin T1, slow skeletal type; minus strand). Cytogenetic location: 19q13.42.
Variant type: single nucleotide variant.
Coding change: c.617G>A on transcript NM_003283.6 (MANE Select); coding-DNA position 617, G replaced by A.
Protein change: p.Arg206Gln; replaces arginine 206 with glutamine.
Molecular consequence: missense variant. On other transcripts: intron variant (3).
Genome position (GRCh38, 1-based): chr19:55,134,199, C>T on the plus strand (G>A on the coding strand, the complement: TNNT1 is on the minus strand). VCF-style: chr19-55134199-C-T. GRCh37 (hg19) VCF-style: chr19-55645567-C-T.
Other names: c.579-43G>A (NM_001126133.3, NM_001291774.2); c.612-43G>A (NM_001126132.3); c.617G>A (NM_003283.5, NM_003283.4); short protein forms R206Q.
Identifiers: ClinVar variation 1099301 (VCV001099301.17), dbSNP rs199652942, ClinGen allele CA9667336.